The following is an entry in ClinVar:

NM_004385.5(VCAN):c.2335T>C (p.Tyr779His)

Gene: VCAN (versican; plus strand). Cytogenetic location: 5q14.3.
Variant type: single nucleotide variant.
Coding change: c.2335T>C on transcript NM_004385.5 (MANE Select); coding-DNA position 2335, T replaced by C.
Protein change: p.Tyr779His; replaces tyrosine 779 with histidine.
Molecular consequence: missense variant. On other transcripts: intron variant (2).
Genome position (GRCh38, 1-based): chr5:83,520,641, T>C. VCF-style: chr5-83520641-T-C. GRCh37 (hg19) VCF-style: chr5-82816460-T-C.
Other names: c.2335T>C, p.Tyr779His (NM_001164098.2); c.1042+8245T>C (NM_001164097.2, NM_001126336.3); short protein forms Y779H.
Identifiers: ClinVar variation 2115887 (VCV002115887.4), dbSNP rs2479052129, ClinGen allele CA360303711.

ClinVar aggregate classification (germline): Uncertain significance (1 of 4 stars; one submission).

Submission:

Labcorp Genetics (formerly Invitae), Labcorp
Classification: Uncertain significance. Last evaluated: 2025-02-10. Review status: criteria provided, single submitter. Criteria: Invitae Variant Classification Sherloc (09022015). Collection method: clinical testing. Allele origin: germline.
Comment: This sequence change replaces tyrosine, which is neutral and polar, with histidine, which is basic and polar, at codon 779 of the VCAN protein (p.Tyr779His). This variant is not present in population databases (gnomAD no frequency). This variant has not been reported in the literature in individuals affected with VCAN-related conditions. ClinVar contains an entry for this variant (Variation ID: 2115887). An algorithm developed to predict the effect of missense changes on protein structure and function outputs the following: PolyPhen-2: "Benign". The histidine amino acid residue is found in multiple mammalian species, which suggests that this missense change does not adversely affect protein function. In summary, the available evidence is currently insufficient to determine the role of this variant in disease. Therefore, it has been classified as a Variant of Uncertain Significance.